The following is an entry in ClinVar:

ClinVar aggregate classification (germline): Uncertain significance (1 of 4 stars; one submission).

Submission:

ISCA site 4
Classification: Uncertain significance. Last evaluated: 2011-08-12. Review status: criteria provided, single submitter. Criteria: Kaminsky et al. (Genet Med. 2011). Collection method: clinical testing. Allele origin: unknown. Affected: yes. Observed: 1 variant allele.
Comment: Copy number variation identified through the course of routine clinical cytogenomic testing in postnatal populations. Clinical assertions have been curated as described in Kaminsky et al. 2011.

GRCh38/hg38 4q22.1-22.2(chr4:92513191-94071223)x3

Genes: ATOH1 (atonal bHLH transcription factor 1; plus strand), GRID2 (glutamate ionotropic receptor delta type subunit 2; plus strand), LOC123477788 (Sharpr-MPRA regulatory region 1337; plus strand), LOC126807112 (BRD4-independent group 4 enhancer GRCh37_chr4:94506413-94507612; plus strand), LOC129992839 (ATAC-STARR-seq lymphoblastoid active region 21726; plus strand) and 3 more. Cytogenetic location: 4q22.1-22.2.
Variant type: copy number gain.
Change: copy number 3 (three copies instead of two) of chr4:92,513,191-94,071,223 (1.56 Mb, GRCh38 coordinates, 1-based), cytogenetic band 4q22.1-22.2.
Identifiers: ClinVar variation 161061 (VCV000161061.1).